The following is an entry in ClinVar:

NM_006393.3(NEBL):c.275C>G (p.Thr92Ser)

Gene: NEBL (nebulette; minus strand). Cytogenetic location: 10p12.31.
Variant type: single nucleotide variant.
Coding change: c.275C>G on transcript NM_006393.3 (MANE Select); coding-DNA position 275, C replaced by G.
Protein change: p.Thr92Ser; replaces threonine 92 with serine.
Molecular consequence: missense variant. On other transcripts: intron variant (9).
Genome position (GRCh38, 1-based): chr10:20,888,191, G>C on the plus strand (C>G on the coding strand, the complement: NEBL is on the minus strand). VCF-style: chr10-20888191-G-C. GRCh37 (hg19) VCF-style: chr10-21177120-G-C.
Other names: c.249+73481C>G (NM_001377326.1, NM_001377327.1, NM_001377328.1); c.357+73481C>G (NM_213569.2, NM_001173484.2, NM_001377322.1); c.300+73481C>G (NM_001377324.1); c.291+73481C>G (NM_001377325.1); c.309+73481C>G (NM_001377323.1); short protein forms T92S.
Identifiers: ClinVar variation 2157523 (VCV002157523.5), dbSNP rs1447912777, ClinGen allele CA376096313.
Genomic context (GRCh38, chr10:20,888,191, plus strand): 5'-ACACTGTCAATTGTGGCTGGCATCCGCTTATAAAGAGAATTAGAAAGGTCAGCTTTAATG[G>C]TGCCTTTGTATTTTGCCTGGGGGAAAAAAAAACAGGAAAAAAATAAATAAATAAACTTCC-3'
Protein context (NP_006384.1, residues 82-102): AFISEAKYKG[Thr92Ser]IKADLSNSLY

ClinVar aggregate classification (germline): Uncertain significance. Review status: criteria provided, multiple submitters, no conflicts (2 of 4 stars). 2 submissions from 2 submitters: Uncertain significance (2). Last evaluated 2025-07-20.

Conditions:
Primary dilated cardiomyopathy (DCM). Also called: Dilated Cardiomyopathy. Identifiers: Orphanet 217604, MedGen C0007193, MeSH D002311, MONDO:0005021, HP:0001644. Inheritance: Various modes of inheritance.

Allele frequency attached by ClinVar (database versions not stated): gnomAD 0.00001; TOPMed 0.00001; gnomAD exomes 0.00004.
gnomAD v4.1: 53 of 1,609,692 alleles (0.0033%); highest among the groups gnomAD compares: Non-Finnish European, 0.0043%; no homozygotes.

Submissions (2):

Labcorp Genetics (formerly Invitae), Labcorp
Classification: Uncertain significance for Primary dilated cardiomyopathy. Last evaluated: 2025-07-20. Review status: criteria provided, single submitter. Criteria: Invitae Variant Classification Sherloc (09022015). Collection method: clinical testing. Allele origin: germline.
Comment: This sequence change replaces threonine, which is neutral and polar, with serine, which is neutral and polar, at codon 92 of the NEBL protein (p.Thr92Ser). This variant is present in population databases (no rsID available, gnomAD 0.002%). This variant has not been reported in the literature in individuals affected with NEBL-related conditions. ClinVar contains an entry for this variant (Variation ID: 2157523). An algorithm developed to predict the effect of missense changes on protein structure and function (PolyPhen-2) suggests that this variant is likely to be tolerated. In summary, the available evidence is currently insufficient to determine the role of this variant in disease. Therefore, it has been classified as a Variant of Uncertain Significance.

Ambry Genetics
Classification: Uncertain significance. Last evaluated: 2024-06-14. Review status: criteria provided, single submitter. Criteria: Ambry Variant Classification Scheme 2023. Collection method: clinical testing. Allele origin: germline.
Comment: The p.T92S variant (also known as c.275C>G), located in coding exon 4 of the NEBL gene, results from a C to G substitution at nucleotide position 275. The threonine at codon 92 is replaced by serine, an amino acid with similar properties. This amino acid position is conserved. In addition, this alteration is predicted to be tolerated by in silico analysis. Based on the available evidence, the clinical significance of this variant remains unclear.